The following is an entry in ClinVar:

ClinVar aggregate classification (germline): Uncertain significance (1 of 4 stars; one submission).

Allele frequency attached by ClinVar (database versions not stated): ExAC 0.00001; gnomAD 0.00001.
gnomAD v4.1: 18 of 1,614,034 alleles (0.0011%); highest among the groups gnomAD compares: South Asian, 0.02%; no homozygotes.

Submission:

Labcorp Genetics (formerly Invitae), Labcorp
Classification: Uncertain significance. Last evaluated: 2023-02-09. Review status: criteria provided, single submitter. Criteria: Invitae Variant Classification Sherloc (09022015). Collection method: clinical testing. Allele origin: germline.
Comment: In summary, the available evidence is currently insufficient to determine the role of this variant in disease. Therefore, it has been classified as a Variant of Uncertain Significance. Algorithms developed to predict the effect of missense changes on protein structure and function output the following: SIFT: "Tolerated"; PolyPhen-2: "Benign"; Align-GVGD: "Class C0". The isoleucine amino acid residue is found in multiple mammalian species, which suggests that this missense change does not adversely affect protein function. This variant has not been reported in the literature in individuals affected with FAT2-related conditions. This variant is present in population databases (rs748062468, gnomAD 0.02%). This sequence change replaces valine, which is neutral and non-polar, with isoleucine, which is neutral and non-polar, at codon 602 of the FAT2 protein (p.Val602Ile).

NM_001447.3(FAT2):c.1804G>A (p.Val602Ile)

Gene: FAT2 (FAT atypical cadherin 2; minus strand). Cytogenetic location: 5q33.1.
Variant type: single nucleotide variant.
Coding change: c.1804G>A on transcript NM_001447.3 (MANE Select); coding-DNA position 1804, G replaced by A.
Protein change: p.Val602Ile; replaces valine 602 with isoleucine.
Molecular consequence: missense variant.
Genome position (GRCh38, 1-based): chr5:151,567,128, C>T on the plus strand (G>A on the coding strand, the complement: FAT2 is on the minus strand). VCF-style: chr5-151567128-C-T. GRCh37 (hg19) VCF-style: chr5-150946689-C-T.
Other names: short protein forms V602I.
Identifiers: ClinVar variation 2909469 (VCV002909469.3), dbSNP rs748062468, ClinGen allele CA3522185.
Genomic context (GRCh38, chr5:151,567,128, plus strand): 5'-TGAGGGATATCACTCCGGAGAAATGATTTAGATCAAAATACTCTAGTTCATTGCCTGATA[C>T]AATCTCGTATTTTAGGTTCTGAAGCTCATCCACATCTATGGCTGACATAGTCATTATCGA-3'
Protein context (NP_001438.1, residues 592-612): DELQNLKYEI[Val602Ile]SGNELEYFDL